The following is an entry in ClinVar:

NM_001103.4(ACTN2):c.1823G>A (p.Arg608Gln)

Gene: ACTN2 (actinin alpha 2; plus strand). Cytogenetic location: 1q43.
Variant type: single nucleotide variant.
Coding change: c.1823G>A on transcript NM_001103.4 (MANE Select); coding-DNA position 1823, G replaced by A.
Protein change: p.Arg608Gln; replaces arginine 608 with glutamine.
Molecular consequence: missense variant.
Genome position (GRCh38, 1-based): chr1:236,751,636, G>A. VCF-style: chr1-236751636-G-A. GRCh37 (hg19) VCF-style: chr1-236914936-G-A.
Other names: c.1823G>A, p.Arg608Gln (NM_001278343.2); c.1199G>A, p.Arg400Gln (NM_001278344.2); short protein forms R608Q, R400Q.
Identifiers: ClinVar variation 296506 (VCV000296506.23), dbSNP rs529944004, ClinGen allele CA1473259.
Genomic context (GRCh38, chr1:236,751,636, plus strand): 5'-GCTACAACATCAGAATCAGCTCAAGCAACCCGTACAGCACTGTCACCATGGATGAGCTCC[G>A]GACCAAGTGGGACAAGGTGGGTGGCTGAGGGCCTGGTGTGGGACCAGGGGGCATTCTTGA-3'
Protein context (NP_001094.1, residues 598-618): PYSTVTMDEL[Arg608Gln]TKWDKVKQLV

ClinVar aggregate classification (germline): Conflicting classifications of pathogenicity. Review status: criteria provided, conflicting classifications (1 of 4 stars). 6 submissions from 6 submitters: Uncertain significance (4); Likely benign (2). Last evaluated 2026-03-27.

Conditions:
Cardiovascular phenotype. Identifiers: MedGen CN230736.
Myopathy, congenital, with structured cores and z-line abnormalities. Also called: CONGENITAL MYOPATHY 8; MULTIPLE STRUCTURED CORE DISEASE. Identifiers: MedGen C5231445, MONDO:0032852, OMIM 618654.
Dilated cardiomyopathy 1AA (CMD1AA). Also called: Cardiomyopathy, dilated, 1AA, with or without LVNC; CARDIOMYOPATHY, DILATED, 1AA, WITH OR WITHOUT LEFT VENTRICULAR NONCOMPACTION; CARDIOMYOPATHY, FAMILIAL HYPERTROPHIC, 23, WITH OR WITHOUT LEFT VENTRICULAR NONCOMPACTION. Identifiers: Orphanet 154, MedGen C2677338, MONDO:0012808, OMIM 612158.
Myopathy, distal, 6, adult-onset, autosomal dominant. Identifiers: MedGen C5203349, MONDO:0032853, OMIM 618655.
Primary familial hypertrophic cardiomyopathy (HCM). Identifiers: Orphanet 99739, MedGen C0949658, MeSH D024741, MONDO:0024573. Inheritance: Various modes of inheritance.

Allele frequency attached by ClinVar (database versions not stated): gnomAD 0.00001 and 0.00003; ExAC 0.00007; 1000 Genomes Project 30x 0.00031; TOPMed 0.00002; gnomAD exomes 0.00005 and 0.00007; 1000 Genomes Project 0.00020.
gnomAD v4.1: 82 of 1,613,910 alleles (0.0051%); highest among the groups gnomAD compares: Middle Eastern, 0.033%; no homozygotes.

Submissions (6):

Molecular Diagnostic Laboratory for Inherited Cardiovascular Disease, Montreal Heart Institute
Classification: Likely benign. Last evaluated: 2026-03-27. Review status: criteria provided, single submitter. Criteria: ACMG Guidelines, 2015. Collection method: clinical testing. Allele origin: germline. Affected: no.
Comment: BS1, BP4

Labcorp Genetics (formerly Invitae), Labcorp
Classification: Likely benign for Primary familial hypertrophic cardiomyopathy; Dilated cardiomyopathy 1AA. Last evaluated: 2026-01-26. Review status: criteria provided, single submitter. Criteria: Invitae Variant Classification Sherloc (09022015). Collection method: clinical testing. Allele origin: germline.

Ambry Genetics
Classification: Uncertain significance for Cardiovascular phenotype. Last evaluated: 2024-09-06. Review status: criteria provided, single submitter. Criteria: Ambry Variant Classification Scheme 2023. Collection method: clinical testing. Allele origin: germline.
Comment: The p.R608Q variant (also known as c.1823G>A), located in coding exon 15 of the ACTN2 gene, results from a G to A substitution at nucleotide position 1823. The arginine at codon 608 is replaced by glutamine, an amino acid with highly similar properties. This amino acid position is not well conserved in available vertebrate species. In addition, this alteration is predicted to be tolerated by in silico analysis. Since supporting evidence is limited at this time, the clinical significance of this alteration remains unclear.

Fulgent Genetics
Classification: Uncertain significance for Dilated cardiomyopathy 1AA; Myopathy, congenital, with structured cores and z-line abnormalities; Myopathy, distal, 6, adult-onset, autosomal dominant. Last evaluated: 2021-09-05. Review status: criteria provided, single submitter. Criteria: ACMG Guidelines, 2015. Collection method: clinical testing. Allele origin: unknown.

GeneDx
Classification: Uncertain significance. Last evaluated: 2018-05-25. Review status: criteria provided, single submitter. Criteria: GeneDx Variant Classification (06012015). Collection method: clinical testing. Allele origin: germline. Affected: yes.
Comment: A variant of uncertain significance has been identified in the ACTN2 gene. The R608Q variant has not been published as pathogenic or been reported as benign to our knowledge. This variant is observed at a global allele frequency of 18/276958 (0.007%) alleles in large population cohorts, including 6/30782 (0.02%) alleles from individuals of South Asian ancestry (Lek et al., 2016). The R608Q variant is a semi-conservative amino acid substitution, which may impact secondary protein structure as these residues differ in some properties. However, in-silico analyses, including protein predictors and evolutionary conservation, support that this variant does not alter protein structure/function.

Illumina Laboratory Services, Illumina
Classification: Uncertain significance for Dilated cardiomyopathy 1AA. Last evaluated: 2018-01-12. Review status: criteria provided, single submitter. Criteria: ICSL Variant Classification Criteria 13 December 2019. Collection method: clinical testing. Allele origin: germline.